The following is an entry in ClinVar:

ClinVar aggregate classification (germline): Uncertain significance (1 of 4 stars; one submission).

Allele frequency attached by ClinVar (database versions not stated): gnomAD exomes below 0.00001; gnomAD 0.00001; TOPMed 0.00001.
gnomAD v4.1: 7 of 1,613,810 alleles (0.00043%); highest among the groups gnomAD compares: Non-Finnish European, 0.00059%; no homozygotes.

Submission:

Laboratory for Molecular Medicine, Mass General Brigham Personalized Medicine
Classification: Uncertain significance. Last evaluated: 2018-11-14. Review status: criteria provided, single submitter. Criteria: LMM Criteria. Collection method: clinical testing. Allele origin: germline. Observed: 1 variant allele.
Comment: The p.Phe251Leu variant in KCNQ4 has not been previously reported in individuals with hearing loss, but has been identified in 0.0008% (1/113714) of European ch romosomes by gnomAD. Computational prediction tools and conservation analysis do not provide strong support for or against an impact to the protein. In summary, the clinical significance of this variant is uncertain. ACMG/AMP Criteria applied: PM2.

NM_004700.4(KCNQ4):c.751T>C (p.Phe251Leu)

Gene: KCNQ4 (potassium voltage-gated channel subfamily Q member 4; plus strand). Cytogenetic location: 1p34.2.
Variant type: single nucleotide variant.
Coding change: c.751T>C on transcript NM_004700.4 (MANE Select); coding-DNA position 751, T replaced by C.
Protein change: p.Phe251Leu; replaces phenylalanine 251 with leucine.
Molecular consequence: missense variant.
Genome position (GRCh38, 1-based): chr1:40,819,389, T>C. VCF-style: chr1-40819389-T-C. GRCh37 (hg19) VCF-style: chr1-41285061-T-C.
Other names: c.751T>C, p.Phe251Leu (NM_172163.3); short protein forms F251L.
Identifiers: ClinVar variation 666843 (VCV000666843.4), dbSNP rs1000705787, ClinGen allele CA21112602.